The following is an entry in ClinVar:

ClinVar aggregate classification (germline): Likely pathogenic (1 of 4 stars; one submission).

Conditions:
Neonatal severe primary hyperparathyroidism. Identifiers: Orphanet 417, MedGen C1832615, MONDO:0009397, OMIM 239200.

Submission:

Genetics and Molecular Pathology, SA Pathology
Classification: Likely pathogenic for Neonatal severe primary hyperparathyroidism. Last evaluated: 2020-05-29. Review status: criteria provided, single submitter. Criteria: ACMG Guidelines, 2015. Collection method: clinical testing. Allele origin: germline. Inheritance: Autosomal dominant inheritance. Affected: yes.
Comment: The CASR:c.205C>A variant is a single base change which substitutes the amino acid at position 69 in exon 3 from arginine to serine. The variant has not been described in the literature to date and is absent from population databases (PM2). It is not present in ClinVar or HGMD (2020.1). Computational algorithms predict a deleterious effect. Three different missense substitutions at amino acid position 69 have been reported previously in the literature (PMID: 22422767, PMID: 24947037, PMID: 26855056) (PM5). This variant is located within a highly conserved functional domain which is important for receptor functioning (PMID: 27434672) (PM1).

Literature cited by the submitters: PubMed 22422767; PubMed 24947037; PubMed 26855056; PubMed 27434672.

NM_000388.4(CASR):c.205C>A (p.Arg69Ser)

Gene: CASR (calcium sensing receptor; plus strand). Cytogenetic location: 3q21.1.
Variant type: single nucleotide variant.
Coding change: c.205C>A on transcript NM_000388.4 (MANE Select); coding-DNA position 205, C replaced by A.
Protein change: p.Arg69Ser; replaces arginine 69 with serine.
Molecular consequence: missense variant.
Genome position (GRCh38, 1-based): chr3:122,257,100, C>A. VCF-style: chr3-122257100-C-A. GRCh37 (hg19) VCF-style: chr3-121975947-C-A.
Other names: c.205C>A, p.Arg69Ser (NM_001178065.2); short protein forms R69S.
Identifiers: ClinVar variation 1803180 (VCV001803180.1), dbSNP rs1313627454, ClinGen allele CA354362379.